The following is an entry in ClinVar:

ClinVar aggregate classification (germline): Likely benign. Review status: criteria provided, multiple submitters, no conflicts (2 of 4 stars). 2 submissions from 2 submitters: Likely benign (2). Last evaluated 2026-01-28.

Conditions:
FREM2-related disorder. Also called: FREM2-related condition.

Allele frequency attached by ClinVar (database versions not stated): 1000 Genomes Project 30x 0.00016; 1000 Genomes Project 0.00020.
gnomAD v4.1: 146 of 1,613,602 alleles (0.009%); highest among the groups gnomAD compares: Non-Finnish European, 0.012%; no homozygotes.

Submissions (2):

Labcorp Genetics (formerly Invitae), Labcorp
Classification: Likely benign. Last evaluated: 2026-01-28. Review status: criteria provided, single submitter. Criteria: Invitae Variant Classification Sherloc (09022015). Collection method: clinical testing. Allele origin: germline.

PreventionGenetics, part of Exact Sciences
Classification: Likely benign for FREM2-related condition. Last evaluated: 2025-08-16. Review status: criteria provided, single submitter. Criteria: ACMG Guidelines, 2015. Collection method: clinical testing. Allele origin: germline.
Comment: This variant is classified as likely benign based on ACMG/AMP sequence variant interpretation guidelines (Richards et al. 2015 PMID: 25741868, with internal and published modifications).

NM_207361.6(FREM2):c.5625C>A (p.Ile1875=)

Gene: FREM2 (FRAS1 related extracellular matrix 2; plus strand). Cytogenetic location: 13q13.3.
Variant type: single nucleotide variant.
Coding change: c.5625C>A on transcript NM_207361.6 (MANE Select); coding-DNA position 5625, C replaced by A.
Protein change: p.Ile1875=; no amino-acid change (isoleucine 1875 retained).
Molecular consequence: synonymous variant.
Genome position (GRCh38, 1-based): chr13:38,769,792, C>A. VCF-style: chr13-38769792-C-A. GRCh37 (hg19) VCF-style: chr13-39343929-C-A.
Other names: c.5625C>A (NM_207361.5).
Identifiers: ClinVar variation 2711398 (VCV002711398.4), dbSNP rs202007498, ClinGen allele CA6955286.